The following is an entry in ClinVar:

ClinVar aggregate classification (germline): Pathogenic (1 of 4 stars; one submission).

Submission:

Labcorp Genetics (formerly Invitae), Labcorp
Classification: Pathogenic. Last evaluated: 2026-01-12. Review status: criteria provided, single submitter. Criteria: Invitae Variant Classification Sherloc (09022015). Collection method: clinical testing. Allele origin: germline.
Comment: This sequence change creates a premature translational stop signal (p.Asp522Glufs*43) in the CTNNA1 gene. It is expected to result in an absent or disrupted protein product. Loss-of-function variants in CTNNA1 are known to be pathogenic (PMID: 32051609, 34425242). This variant is not present in population databases (gnomAD no frequency). This variant has not been reported in the literature in individuals affected with CTNNA1-related conditions. For these reasons, this variant has been classified as Pathogenic.

Literature cited by the submitters: PubMed 32051609; PubMed 34425242.

NM_001903.5(CTNNA1):c.1565dup (p.Asp522fs)

Gene: CTNNA1 (catenin alpha 1; plus strand). Cytogenetic location: 5q31.2.
Variant type: Duplication.
Coding change: c.1565dup on transcript NM_001903.5 (MANE Select); coding-DNA position 1565, one base duplicated (A; older notation c.1565dupA).
Protein change: p.Asp522fs; shifts the reading frame from aspartic acid 522.
Molecular consequence: frameshift variant.
Genome position (GRCh38, 1-based): chr5:138,924,528, A duplicated. VCF-style (leftmost placement, unchanged base first): chr5-138924527-G-GA. GRCh37 (hg19) VCF-style: chr5-138260216-G-GA.
Other names: c.1565dup, p.Asp522fs (NM_001290307.3, NM_001323982.2, NM_001323983.1 and 2 more transcripts); c.1256dup, p.Asp419fs (NM_001290309.3); c.1196dup, p.Asp399fs (NM_001290310.3); c.455dup, p.Asp152fs (NM_001290312.1, NM_001323987.1, NM_001323988.1 and 17 more transcripts); c.1472dup, p.Asp491fs (NM_001323986.2); c.116dup, p.Asp39fs (NM_001324006.1, NM_001324007.1, NM_001324008.1 and 2 more transcripts); c.362dup, p.Asp121fs (NM_001324011.1); c.212dup, p.Asp71fs (NM_001324012.1, NM_001324013.1); short protein forms D152fs, D121fs, D39fs, D71fs, D419fs, D491fs, D399fs, D522fs.
Identifiers: ClinVar variation 4732700 (VCV004732700.1).